The following is an entry in ClinVar:

ClinVar aggregate classification (germline): Pathogenic (1 of 4 stars; one submission).

Submission:

Labcorp Genetics (formerly Invitae), Labcorp
Classification: Pathogenic. Last evaluated: 2022-05-12. Review status: criteria provided, single submitter. Criteria: Invitae Variant Classification Sherloc (09022015). Collection method: clinical testing. Allele origin: germline.
Comment: This variant is not present in population databases (gnomAD no frequency). For these reasons, this variant has been classified as Pathogenic. This variant has not been reported in the literature in individuals affected with ALPK3-related conditions. This sequence change creates a premature translational stop signal (p.Asp1247Glyfs*52) in the ALPK3 gene. It is expected to result in an absent or disrupted protein product. Loss-of-function variants in ALPK3 are known to be pathogenic (PMID: 21441111, 26846950, 27106955, 34263907).

Literature cited by the submitters: PubMed 21441111; PubMed 26846950; PubMed 27106955; PubMed 34263907.

NM_020778.5(ALPK3):c.3134_3659del (p.Asp1045fs)

Gene: ALPK3 (alpha kinase 3; plus strand). Cytogenetic location: 15q25.3.
Variant type: Deletion.
Coding change: c.3134_3659del on transcript NM_020778.5 (MANE Select); coding-DNA positions 3134 to 3659, 526 bases deleted.
Protein change: p.Asp1045fs; shifts the reading frame from aspartic acid 1045.
Molecular consequence: frameshift variant.
Genome position (GRCh38, 1-based): chr15:84,857,872-84,858,397, 526 bases deleted. GRCh37 (hg19): chr15:85,401,103-85,401,628.
Other names: short protein forms D1045fs.
Identifiers: ClinVar variation 1452365 (VCV001452365.6), dbSNP rs2141568675, ClinGen allele CA2573151301.